The following is an entry in ClinVar:

NM_015346.4(ZFYVE26):c.2404G>T (p.Gly802Ter)

Gene: ZFYVE26 (zinc finger FYVE-type containing 26; minus strand). Cytogenetic location: 14q24.1.
Variant type: single nucleotide variant.
Coding change: c.2404G>T on transcript NM_015346.4 (MANE Select); coding-DNA position 2404, G replaced by T.
Protein change: p.Gly802Ter; replaces glycine 802 with a stop codon.
Molecular consequence: nonsense.
Genome position (GRCh38, 1-based): chr14:67,793,757, C>A on the plus strand (G>T on the coding strand, the complement: ZFYVE26 is on the minus strand). VCF-style: chr14-67793757-C-A. GRCh37 (hg19) VCF-style: chr14-68260474-C-A.
Other names: short protein forms G802*.
Identifiers: ClinVar variation 969045 (VCV000969045.7), dbSNP rs371660600, ClinGen allele CA262863546.
Genomic context (GRCh38, chr14:67,793,757, plus strand): 5'-GAGGATGGGGGTGCAATCTACTGTGCAGCTCATTCCGGCCAGACATGGCACTCAGACTTC[C>A]CTCTGTTGGGACACAAGAATGTGTGGGGCCAGAGAAGCAAGAGGAATTAAGGAAATGCTA-3'

ClinVar aggregate classification (germline): Pathogenic (1 of 4 stars; one submission).

Conditions:
Spastic paraplegia. Identifiers: MedGen C0037772, HP:0001258.

gnomAD v4.1: 2 of 1,613,818 alleles (0.00012%); highest among the groups gnomAD compares: Non-Finnish European, 0.00017%; no homozygotes.

Submission:

Labcorp Genetics (formerly Invitae), Labcorp
Classification: Pathogenic for Spastic paraplegia. Last evaluated: 2023-06-01. Review status: criteria provided, single submitter. Criteria: Invitae Variant Classification Sherloc (09022015). Collection method: clinical testing. Allele origin: germline.
Comment: ClinVar contains an entry for this variant (Variation ID: 969045). For these reasons, this variant has been classified as Pathogenic. This variant has not been reported in the literature in individuals affected with ZFYVE26-related conditions. This variant is not present in population databases (gnomAD no frequency). This sequence change creates a premature translational stop signal (p.Gly802*) in the ZFYVE26 gene. It is expected to result in an absent or disrupted protein product. Loss-of-function variants in ZFYVE26 are known to be pathogenic (PMID: 18394578, 19805727).

Literature cited by the submitters: PubMed 18394578; PubMed 19805727.